The following is an entry in ClinVar:

ClinVar aggregate classification (germline): Uncertain significance. Review status: criteria provided, multiple submitters, no conflicts (2 of 4 stars). 2 submissions from 2 submitters: Uncertain significance (2). Last evaluated 2025-12-29.

Conditions:
Hyperkalemic periodic paralysis. Also called: Familial hyperkalemic periodic paralysis; Gamstorp disease. Identifiers: Orphanet 682, MedGen C0238357, MONDO:0008224, OMIM 170500, HP:0007215.

Allele frequency attached by ClinVar (database versions not stated): gnomAD exomes 0.00001; TOPMed 0.00001.
gnomAD v4.1: 16 of 1,614,044 alleles (0.00099%); highest among the groups gnomAD compares: Non-Finnish European, 0.0014%; no homozygotes.

Submissions (2):

Labcorp Genetics (formerly Invitae), Labcorp
Classification: Uncertain significance for Hyperkalemic periodic paralysis. Last evaluated: 2025-12-29. Review status: criteria provided, single submitter. Criteria: Invitae Variant Classification Sherloc (09022015). Collection method: clinical testing. Allele origin: germline.
Comment: This sequence change replaces threonine, which is neutral and polar, with isoleucine, which is neutral and non-polar, at codon 1413 of the SCN4A protein (p.Thr1413Ile). This variant is not present in population databases (gnomAD no frequency). This variant has not been reported in the literature in individuals affected with SCN4A-related conditions. ClinVar contains an entry for this variant (Variation ID: 1722933). Invitae Evidence Modeling of protein sequence and biophysical properties (such as structural, functional, and spatial information, amino acid conservation, physicochemical variation, residue mobility, and thermodynamic stability) indicates that this missense variant is not expected to disrupt SCN4A protein function with a negative predictive value of 95%. In summary, the available evidence is currently insufficient to determine the role of this variant in disease. Therefore, it has been classified as a Variant of Uncertain Significance.

GeneDx
Classification: Uncertain significance. Last evaluated: 2025-07-12. Review status: criteria provided, single submitter. Criteria: GeneDx Variant Classification Process June 2021. Collection method: clinical testing. Allele origin: germline. Affected: yes.
Comment: Not observed at significant frequency in large population cohorts (gnomAD); In silico analysis supports that this missense variant has a deleterious effect on protein structure/function; Has not been previously published as pathogenic or benign to our knowledge

NM_000334.4(SCN4A):c.4238C>T (p.Thr1413Ile)

Genes: GH-LCR (growth hormone locus control region; plus strand), SCN4A (sodium voltage-gated channel alpha subunit 4; minus strand). Cytogenetic location: 17q23.3.
Variant type: single nucleotide variant.
Coding change: c.4238C>T on transcript NM_000334.4 (MANE Select); coding-DNA position 4238, C replaced by T.
Protein change: p.Thr1413Ile; replaces threonine 1413 with isoleucine.
Molecular consequence: missense variant.
Genome position (GRCh38, 1-based): chr17:63,942,876, G>A on the plus strand (C>T on the coding strand, the complement: SCN4A is on the minus strand). VCF-style: chr17-63942876-G-A. GRCh37 (hg19) VCF-style: chr17-62020236-G-A.
Other names: short protein forms T1413I.
Identifiers: ClinVar variation 1722933 (VCV001722933.5), dbSNP rs1312318691, ClinGen allele CA400616418.
Genomic context (GRCh38, chr17:63,942,876, plus strand): 5'-CCCCGCTCACCCACAATGGACAGGATGACGACCACGAAGTCAAAGATGTTCCAGCCAACG[G>A]TGAAGTAGTACTGGCGCAGGGCGAGCATCTTGAGCACGCACTCCCCTGTGAAGATGATGA-3'
Protein context (NP_000325.4, residues 1403-1423): KMLALRQYYF[Thr1413Ile]VGWNIFDFVV